The following is an entry in ClinVar:

NM_016653.3(MAP3K20):c.1447C>A (p.Pro483Thr)

Genes: MAP3K20 (mitogen-activated protein kinase kinase kinase 20; plus strand), MAP3K20-AS1 (MAP3K20 antisense RNA 1; minus strand). Cytogenetic location: 2q31.1.
Variant type: single nucleotide variant.
Coding change: c.1447C>A on transcript NM_016653.3 (MANE Select); coding-DNA position 1447, C replaced by A.
Protein change: p.Pro483Thr; replaces proline 483 with threonine.
Molecular consequence: missense variant.
Genome position (GRCh38, 1-based): chr2:173,258,786, C>A. VCF-style: chr2-173258786-C-A. GRCh37 (hg19) VCF-style: chr2-174123514-C-A.
Other names: short protein forms P483T.
Identifiers: ClinVar variation 1945378 (VCV001945378.4), dbSNP rs1307293439, ClinGen allele CA349316352.
Genomic context (GRCh38, chr2:173,258,786, plus strand): 5'-ATGGATGGGGATGAAATTGCAATAACCTACATAAAAGATGTGACATTCAACACTAACCTA[C>A]CTGATGCGGAGATTTTAAAGATGACAAAGGTAGGGTTCTATTTACGGCTTAAAAGCTCTT-3'
Protein context (NP_057737.2, residues 473-493): IKDVTFNTNL[Pro483Thr]DAEILKMTKP

ClinVar aggregate classification (germline): Uncertain significance (1 of 4 stars; one submission).

gnomAD v4.1: 1 of 1,610,652 alleles (0.000062%); highest among the groups gnomAD compares: Non-Finnish European, 0.000085%; no homozygotes.

Submission:

Labcorp Genetics (formerly Invitae), Labcorp
Classification: Uncertain significance. Last evaluated: 2022-07-06. Review status: criteria provided, single submitter. Criteria: Invitae Variant Classification Sherloc (09022015). Collection method: clinical testing. Allele origin: germline.
Comment: This variant is not present in population databases (gnomAD no frequency). This sequence change replaces proline, which is neutral and non-polar, with threonine, which is neutral and polar, at codon 483 of the MAP3K20 protein (p.Pro483Thr). This variant has not been reported in the literature in individuals affected with MAP3K20-related conditions. Experimental studies and prediction algorithms are not available or were not evaluated, and the functional significance of this variant is currently unknown. In summary, the available evidence is currently insufficient to determine the role of this variant in disease. Therefore, it has been classified as a Variant of Uncertain Significance.